The following is an entry in ClinVar:

ClinVar aggregate classification (germline): Uncertain significance (1 of 4 stars; one submission).

Allele frequency attached by ClinVar (database versions not stated): TOPMed below 0.00001; gnomAD exomes 0.00001.
gnomAD v4.1: 15 of 1,327,556 alleles (0.0011%); highest among the groups gnomAD compares: Non-Finnish European, 0.0013%; no homozygotes.

Submission:

GeneDx
Classification: Uncertain significance. Last evaluated: 2023-04-13. Review status: criteria provided, single submitter. Criteria: GeneDx Variant Classification Process June 2021. Collection method: clinical testing. Allele origin: germline. Affected: yes.
Comment: Not observed at significant frequency in large population cohorts (gnomAD); In silico analysis supports that this missense variant does not alter protein structure/function; Has not been previously published as pathogenic or benign to our knowledge

NM_003793.4(CTSF):c.80C>T (p.Ala27Val)

Gene: CTSF (cathepsin F; minus strand). Cytogenetic location: 11q13.2.
Variant type: single nucleotide variant.
Coding change: c.80C>T on transcript NM_003793.4 (MANE Select); coding-DNA position 80, C replaced by T.
Protein change: p.Ala27Val; replaces alanine 27 with valine.
Molecular consequence: missense variant.
Genome position (GRCh38, 1-based): chr11:66,568,407, G>A on the plus strand (C>T on the coding strand, the complement: CTSF is on the minus strand). VCF-style: chr11-66568407-G-A. GRCh37 (hg19) VCF-style: chr11-66335878-G-A.
Other names: short protein forms A27V.
Identifiers: ClinVar variation 2662567 (VCV002662567.1), dbSNP rs1857986004, ClinGen allele CA381468485.